The following is an entry in ClinVar:

NM_000138.5(FBN1):c.2537T>C (p.Ile846Thr)

Gene: FBN1 (fibrillin 1; minus strand). Cytogenetic location: 15q21.1.
Variant type: single nucleotide variant.
Coding change: c.2537T>C on transcript NM_000138.5 (MANE Select); coding-DNA position 2537, T replaced by C.
Protein change: p.Ile846Thr; replaces isoleucine 846 with threonine.
Molecular consequence: missense variant.
Genome position (GRCh38, 1-based): chr15:48,495,471, A>G on the plus strand (T>C on the coding strand, the complement: FBN1 is on the minus strand). VCF-style: chr15-48495471-A-G. GRCh37 (hg19) VCF-style: chr15-48787668-A-G.
Other names: short protein forms I846T.
Identifiers: ClinVar variation 228684 (VCV000228684.4), dbSNP rs876657809, ClinGen allele CA10576990.

ClinVar aggregate classification (germline): Uncertain significance (1 of 4 stars; one submission).

Submission:

Laboratory for Molecular Medicine, Mass General Brigham Personalized Medicine
Classification: Uncertain significance. Last evaluated: 2015-05-08. Review status: criteria provided, single submitter. Criteria: LMM Criteria. Collection method: clinical testing. Allele origin: germline. Observed: 1 variant allele.
Comment: The p.Ile846Thr variant in FBN1 has not been previously reported in individuals with connective tissue disorders or in large population studies. This variant is located in the last three bases of the exon, which is part of the 5? splice reg ion. Computational tools do not suggest an impact to splicing; however, this inf ormation is not predictive enough to rule out pathogenicity. Additional computat ional tools and conservation analysis suggest that this variant may impact the p rotein, though this information is not predictive enough to determine pathogenic ity. In summary, the clinical significance of the p.Ile846Thr variant is uncerta in.